The following is an entry in ClinVar:

NM_002691.4(POLD1):c.1931A>G (p.Asp644Gly)

Gene: POLD1 (DNA polymerase delta 1, catalytic subunit; plus strand). Cytogenetic location: 19q13.33.
Variant type: single nucleotide variant.
Coding change: c.1931A>G on transcript NM_002691.4 (MANE Select); coding-DNA position 1931, A replaced by G.
Protein change: p.Asp644Gly; replaces aspartic acid 644 with glycine.
Molecular consequence: missense variant. On other transcripts: non-coding transcript variant (1).
Genome position (GRCh38, 1-based): chr19:50,409,160, A>G. VCF-style: chr19-50409160-A-G. GRCh37 (hg19) VCF-style: chr19-50912417-A-G.
Other names: c.1931A>G, p.Asp644Gly (NM_001256849.1); c.2009A>G, p.Asp670Gly (NM_001308632.1); c.1931A>G (NM_002691.2); short protein forms D644G, D670G.
Identifiers: ClinVar variation 2853066 (VCV002853066.4), dbSNP rs766743045, ClinGen allele CA9596331.
Genomic context (GRCh38, chr19:50,409,160, plus strand): 5'-ACCCCAACATCTTCCAACCCAGCCTGACTGAGGATCAGTTCATCAGGACCCCCACCGGGG[A>G]CGAGTTTGTGAAGACCTCAGTGCGGAAGGGGCTGCTGCCCCAGATCCTGGAGAACCTGCT-3'
Protein context (NP_002682.2, residues 634-654): EDQFIRTPTG[Asp644Gly]EFVKTSVRKG

ClinVar aggregate classification (germline): Uncertain significance. Review status: criteria provided, multiple submitters, no conflicts (2 of 4 stars). 2 submissions from 2 submitters: Uncertain significance (2). Last evaluated 2024-05-31.

Conditions:
Hereditary cancer-predisposing syndrome. Also called: Neoplastic Syndromes, Hereditary; Tumor predisposition; Hereditary Cancer Syndrome; Hereditary neoplastic syndrome. Identifiers: Orphanet 140162, MedGen C0027672, MeSH D009386, MONDO:0015356.
POLD1-related polyposis and colorectal cancer syndrome (CRCS10). Also called: Colorectal cancer 10; COLORECTAL CANCER, SUSCEPTIBILITY TO, ON CHROMOSOME 19q; Colorectal cancer, susceptibility to, 10. Identifiers: Orphanet 220460, MedGen C2675481, MONDO:0012953, OMIM 612591.

Allele frequency attached by ClinVar (database versions not stated): gnomAD exomes below 0.00001; TOPMed below 0.00001; ExAC 0.00001.
gnomAD v4.1: 1 of 1,613,716 alleles (0.000062%); highest among the groups gnomAD compares: African/African-American, 0.0013%; no homozygotes.

Submissions (2):

Ambry Genetics
Classification: Uncertain significance for Hereditary cancer-predisposing syndrome. Last evaluated: 2024-05-31. Review status: criteria provided, single submitter. Criteria: Ambry Variant Classification Scheme 2023. Collection method: clinical testing. Allele origin: germline.
Comment: The p.D644G variant (also known as c.1931A>G), located in coding exon 15 of the POLD1 gene, results from an A to G substitution at nucleotide position 1931. The aspartic acid at codon 644 is replaced by glycine, an amino acid with similar properties. This amino acid position is conserved. In addition, this alteration is predicted to be tolerated by in silico analysis. Based on the available evidence, the clinical significance of this variant remains unclear.

Labcorp Genetics (formerly Invitae), Labcorp
Classification: Uncertain significance for POLD1-related polyposis and colorectal cancer syndrome. Last evaluated: 2023-11-01. Review status: criteria provided, single submitter. Criteria: Invitae Variant Classification Sherloc (09022015). Collection method: clinical testing. Allele origin: germline.
Comment: This sequence change replaces aspartic acid, which is acidic and polar, with glycine, which is neutral and non-polar, at codon 644 of the POLD1 protein (p.Asp644Gly). The frequency data for this variant in the population databases is considered unreliable, as metrics indicate poor data quality at this position in the gnomAD database. This variant has not been reported in the literature in individuals affected with POLD1-related conditions. Advanced modeling of protein sequence and biophysical properties (such as structural, functional, and spatial information, amino acid conservation, physicochemical variation, residue mobility, and thermodynamic stability) performed at Invitae indicates that this missense variant is not expected to disrupt POLD1 protein function with a negative predictive value of 80%. In summary, the available evidence is currently insufficient to determine the role of this variant in disease. Therefore, it has been classified as a Variant of Uncertain Significance.